The following is an entry in ClinVar:

ClinVar aggregate classification (germline): Uncertain significance. Review status: criteria provided, multiple submitters, no conflicts (2 of 4 stars). 2 submissions from 2 submitters: Uncertain significance (2). Last evaluated 2026-07-11.

Conditions:
Hereditary cancer-predisposing syndrome. Also called: Hereditary Cancer Syndrome; Tumor predisposition; Hereditary neoplastic syndrome; Neoplastic Syndromes, Hereditary. Identifiers: Orphanet 140162, MedGen C0027672, MeSH D009386, MONDO:0015356.
Tuberous sclerosis 2 (TSC2). Identifiers: Orphanet 805, MedGen C1860707, MONDO:0013199, OMIM 613254.

Submissions (2):

Ambry Genetics
Classification: Uncertain significance for Hereditary cancer-predisposing syndrome. Last evaluated: 2026-07-11. Review status: criteria provided, single submitter. Criteria: Ambry Variant Classification Scheme 2023. Collection method: clinical testing. Allele origin: germline.
Comment: The p.T771R variant (also known as c.2312C>G), located in coding exon 20 of the TSC2 gene, results from a C to G substitution at nucleotide position 2312. The threonine at codon 771 is replaced by arginine, an amino acid with similar properties. This amino acid position is conserved. In addition, this alteration is predicted to be deleterious by in silico analysis. Based on the available evidence, the clinical significance of this variant remains unclear.

Labcorp Genetics (formerly Invitae), Labcorp
Classification: Uncertain significance for Tuberous sclerosis 2. Last evaluated: 2022-05-27. Review status: criteria provided, single submitter. Criteria: Invitae Variant Classification Sherloc (09022015). Collection method: clinical testing. Allele origin: germline.
Comment: This variant is not present in population databases (gnomAD no frequency). This sequence change replaces threonine, which is neutral and polar, with arginine, which is basic and polar, at codon 771 of the TSC2 protein (p.Thr771Arg). This variant has not been reported in the literature in individuals affected with TSC2-related conditions. In summary, the available evidence is currently insufficient to determine the role of this variant in disease. Therefore, it has been classified as a Variant of Uncertain Significance. Advanced modeling of protein sequence and biophysical properties (such as structural, functional, and spatial information, amino acid conservation, physicochemical variation, residue mobility, and thermodynamic stability) performed at Invitae indicates that this missense variant is not expected to disrupt TSC2 protein function. ClinVar contains an entry for this variant (Variation ID: 568874).

NM_000548.5(TSC2):c.2312C>G (p.Thr771Arg)

Gene: TSC2 (TSC complex subunit 2; plus strand). Cytogenetic location: 16p13.3.
Variant type: single nucleotide variant.
Coding change: c.2312C>G on transcript NM_000548.5 (MANE Select); coding-DNA position 2312, C replaced by G.
Protein change: p.Thr771Arg; replaces threonine 771 with arginine.
Molecular consequence: missense variant.
Genome position (GRCh38, 1-based): chr16:2,072,940, C>G. VCF-style: chr16-2072940-C-G. GRCh37 (hg19) VCF-style: chr16-2122941-C-G.
Other names: c.2312C>G, p.Thr771Arg (NM_001077183.3, NM_001114382.3, NM_001363528.2 and 3 more transcripts); c.2201C>G, p.Thr734Arg (NM_001318827.2); c.2165C>G, p.Thr722Arg (NM_001318829.2); c.1712C>G, p.Thr571Arg (NM_001318831.2); c.2345C>G, p.Thr782Arg (NM_001318832.2); short protein forms T771R, T734R, T722R, T571R, T782R.
Identifiers: ClinVar variation 568874 (VCV000568874.9), dbSNP rs886051790, ClinGen allele CA394276628.